The following is an entry in ClinVar:

ClinVar aggregate classification (germline): Uncertain significance (1 of 4 stars; one submission).

Conditions:
Hereditary cancer-predisposing syndrome. Also called: Neoplastic Syndromes, Hereditary; Tumor predisposition; Hereditary Cancer Syndrome; Hereditary neoplastic syndrome. Identifiers: Orphanet 140162, MedGen C0027672, MeSH D009386, MONDO:0015356.

Submission:

Ambry Genetics
Classification: Uncertain significance for Hereditary cancer-predisposing syndrome. Last evaluated: 2020-01-28. Review status: criteria provided, single submitter. Criteria: Ambry Variant Classification Scheme 2023. Collection method: clinical testing. Allele origin: germline.
Comment: The p.H574Q variant (also known as c.1722C>G), located in coding exon 15 of the NF2 gene, results from a C to G substitution at nucleotide position 1722. The histidine at codon 574 is replaced by glutamine, an amino acid with highly similar properties. This amino acid position is well conserved in available vertebrate species. In addition, this alteration is predicted to be tolerated by in silico analysis. Since supporting evidence is limited at this time, the clinical significance of this alteration remains unclear.

NM_000268.4(NF2):c.1722C>G (p.His574Gln)

Gene: NF2 (NF2, moesin-ezrin-radixin like (MERLIN) tumor suppressor; plus strand). Cytogenetic location: 22q12.2.
Variant type: single nucleotide variant.
Coding change: c.1722C>G on transcript NM_000268.4 (MANE Select); coding-DNA position 1722, C replaced by G.
Protein change: p.His574Gln; replaces histidine 574 with glutamine.
Molecular consequence: missense variant. On other transcripts: non-coding transcript variant (1), intron variant (1).
Genome position (GRCh38, 1-based): chr22:29,681,586, C>G. VCF-style: chr22-29681586-C-G. GRCh37 (hg19) VCF-style: chr22-30077575-C-G.
Other names: c.1608C>G, p.His536Gln (NM_001407053.1, NM_001407056.1); c.1599C>G, p.His533Gln (NM_001407054.1, NM_001407058.1, NM_181829.3); c.1596C>G, p.His532Gln (NM_001407055.1, NM_181828.3); c.1587C>G, p.His529Gln (NM_001407057.1, NM_001407059.1); c.1464C>G, p.His488Gln (NM_001407062.1); c.1473C>G, p.His491Gln (NM_001407063.1, NM_181830.3, NM_181831.3); c.1188C>G, p.His396Gln (NM_001407065.1); c.1722C>G, p.His574Gln (NM_001407066.1, NM_016418.5, NM_181825.3 and 1 more transcripts); and 2 more; short protein forms H488Q, H529Q, H536Q, H491Q, H532Q, H533Q, H396Q, H497Q.
Identifiers: ClinVar variation 1778797 (VCV001778797.2), dbSNP rs1041539951, ClinGen allele CA411150506.
Genomic context (GRCh38, chr22:29,681,586, plus strand): 5'-GGAGACAGCTCTGGATATTCTGCACAATGAGAACTCCGACAGGGGTGGCAGCAGCAAGCA[C>G]AATACCATTAAAAAGGTACCCAGGGTCTCTTTCTTGTATTTTGCTGATCAGGACCATCAT-3'
Protein context (NP_000259.1, residues 564-584): ENSDRGGSSK[His574Gln]NTIKKLTLQS